The following is an entry in ClinVar:

ClinVar aggregate classification (germline): Likely benign (1 of 4 stars; one submission).

Allele frequency attached by ClinVar (database versions not stated): gnomAD exomes 0.00001; TOPMed 0.00002.

Submission:

CeGaT Center for Human Genetics Tuebingen
Classification: Likely benign. Last evaluated: 2022-09-01. Review status: criteria provided, single submitter. Criteria: CeGaT Center For Human Genetics Tuebingen Variant Classification Criteria Version 2. Collection method: clinical testing. Allele origin: germline. Affected: yes. Observed: 1 variant allele.
Comment: MEX3B: BP4, BP7

NM_032246.6(MEX3B):c.1665G>A (p.Pro555=)

Gene: MEX3B (mex-3 RNA binding family member B; minus strand). Cytogenetic location: 15q25.2.
Variant type: single nucleotide variant.
Coding change: c.1665G>A on transcript NM_032246.6 (MANE Select); coding-DNA position 1665, G replaced by A.
Protein change: p.Pro555=; no amino-acid change (proline 555 retained).
Molecular consequence: synonymous variant.
Genome position (GRCh38, 1-based): chr15:82,043,205, C>T on the plus strand (G>A on the coding strand, the complement: MEX3B is on the minus strand). VCF-style: chr15-82043205-C-T. GRCh37 (hg19) VCF-style: chr15-82335546-C-T.
Identifiers: ClinVar variation 2645637 (VCV002645637.24), dbSNP rs1381192707, ClinGen allele CA491995550.